The following is an entry in ClinVar:

ClinVar aggregate classification (germline): Uncertain significance (1 of 4 stars; one submission).

Allele frequency attached by ClinVar (database versions not stated): ExAC 0.00008; ESP Exome Variant Server 0.00008; gnomAD 0.00013 and 0.00015; gnomAD exomes 0.00013 and 0.00018; TOPMed 0.00017.

Submission:

Labcorp Genetics (formerly Invitae), Labcorp
Classification: Uncertain significance. Last evaluated: 2026-01-27. Review status: criteria provided, single submitter. Criteria: Invitae Variant Classification Sherloc (09022015). Collection method: clinical testing. Allele origin: germline.
Comment: This sequence change replaces arginine, which is basic and polar, with cysteine, which is neutral and slightly polar, at codon 200 of the APOA4 protein (p.Arg200Cys). This variant is present in population databases (rs142050734, gnomAD 0.02%). This variant has not been reported in the literature in individuals affected with APOA4-related conditions. ClinVar contains an entry for this variant (Variation ID: 1415839). Invitae Evidence Modeling of protein sequence and biophysical properties (such as structural, functional, and spatial information, amino acid conservation, physicochemical variation, residue mobility, and thermodynamic stability) indicates that this missense variant is not expected to disrupt APOA4 protein function with a negative predictive value of 80%. In summary, the available evidence is currently insufficient to determine the role of this variant in disease. Therefore, it has been classified as a Variant of Uncertain Significance.

NM_000482.4(APOA4):c.598C>T (p.Arg200Cys)

Gene: APOA4 (apolipoprotein A4; minus strand). Cytogenetic location: 11q23.3.
Variant type: single nucleotide variant.
Coding change: c.598C>T on transcript NM_000482.4 (MANE Select); coding-DNA position 598, C replaced by T.
Protein change: p.Arg200Cys; replaces arginine 200 with cysteine.
Molecular consequence: missense variant.
Genome position (GRCh38, 1-based): chr11:116,821,460, G>A on the plus strand (C>T on the coding strand, the complement: APOA4 is on the minus strand). VCF-style: chr11-116821460-G-A. GRCh37 (hg19) VCF-style: chr11-116692176-G-A.
Other names: short protein forms R200C.
Identifiers: ClinVar variation 1415839 (VCV001415839.6), dbSNP rs142050734, ClinGen allele CA6289370.